The following is an entry in ClinVar:

NM_003900.5(SQSTM1):c.356G>A (p.Arg119His)

Gene: SQSTM1 (sequestosome 1; plus strand). Cytogenetic location: 5q35.3.
Variant type: single nucleotide variant.
Coding change: c.356G>A on transcript NM_003900.5 (MANE Select); coding-DNA position 356, G replaced by A.
Protein change: p.Arg119His; replaces arginine 119 with histidine.
Molecular consequence: missense variant.
Genome position (GRCh38, 1-based): chr5:179,823,912, G>A. VCF-style: chr5-179823912-G-A. GRCh37 (hg19) VCF-style: chr5-179250912-G-A.
Other names: c.104G>A, p.Arg35His (NM_001142298.2, NM_001142299.2); short protein forms R35H, R119H.
Identifiers: ClinVar variation 2043654 (VCV002043654.4), dbSNP rs779807674, ClinGen allele CA3600486.

ClinVar aggregate classification (germline): Uncertain significance (1 of 4 stars; one submission).

Conditions:
Paget disease of bone 2, early-onset (PDB2). Also called: Paget disease of bone 2. Identifiers: MedGen C4085251, MONDO:0011183, OMIM 602080.
Frontotemporal dementia and/or amyotrophic lateral sclerosis 1 (FTDALS1). Also called: C9orf72 Frontotemporal Dementia and/or Amyotrophic Lateral Sclerosis; Frontotemporal dementia with motor neuron disease 1. Identifiers: Orphanet 275872, MedGen C5779877, MONDO:0007105, OMIM 105550.

Allele frequency attached by ClinVar (database versions not stated): TOPMed below 0.00001; ExAC 0.00002.
gnomAD v4.1: 17 of 1,613,564 alleles (0.0011%); highest among the groups gnomAD compares: East Asian, 0.0022%; no homozygotes.

Submission:

Labcorp Genetics (formerly Invitae), Labcorp
Classification: Uncertain significance for Paget disease of bone 2, early-onset; Frontotemporal dementia and/or amyotrophic lateral sclerosis 1. Last evaluated: 2022-07-09. Review status: criteria provided, single submitter. Criteria: Invitae Variant Classification Sherloc (09022015). Collection method: clinical testing. Allele origin: germline.
Comment: This sequence change replaces arginine, which is basic and polar, with histidine, which is basic and polar, at codon 119 of the SQSTM1 protein (p.Arg119His). This variant is present in population databases (rs779807674, gnomAD 0.006%). This variant has not been reported in the literature in individuals affected with SQSTM1-related conditions. Algorithms developed to predict the effect of missense changes on protein structure and function (SIFT, PolyPhen-2, Align-GVGD) all suggest that this variant is likely to be tolerated. In summary, the available evidence is currently insufficient to determine the role of this variant in disease. Therefore, it has been classified as a Variant of Uncertain Significance.